The following is an entry in ClinVar:

ClinVar aggregate classification (germline): Likely pathogenic (1 of 4 stars; one submission).

Submission:

Labcorp Genetics (formerly Invitae), Labcorp
Classification: Likely pathogenic. Last evaluated: 2022-05-12. Review status: criteria provided, single submitter. Criteria: Invitae Variant Classification Sherloc (09022015). Collection method: clinical testing. Allele origin: germline.
Comment: This variant has not been reported in the literature in individuals affected with POLE-related conditions. This variant is not present in population databases (gnomAD no frequency). This sequence change affects a donor splice site in intron 44 of the POLE gene. It is expected to disrupt RNA splicing. Variants that disrupt the donor or acceptor splice site typically lead to a loss of protein function (PMID: 16199547), and loss-of-function variants in POLE are known to be pathogenic (PMID: 23230001, 25948378, 30503519). Algorithms developed to predict the effect of sequence changes on RNA splicing suggest that this variant may disrupt the consensus splice site. In summary, the currently available evidence indicates that the variant is pathogenic, but additional data are needed to prove that conclusively. Therefore, this variant has been classified as Likely Pathogenic.

Literature cited by the submitters: PubMed 16199547; PubMed 23230001; PubMed 25948378; PubMed 30503519.

NM_006231.4(POLE):c.6136+1G>C

Gene: POLE (DNA polymerase epsilon, catalytic subunit; minus strand). Cytogenetic location: 12q24.33.
Variant type: single nucleotide variant.
Coding change: c.6136+1G>C on transcript NM_006231.4 (MANE Select); the canonical splice donor site of the intron after coding-DNA position 6136, G replaced by C.
Molecular consequence: splice donor variant.
Genome position (GRCh38, 1-based): chr12:132,632,663, C>G on the plus strand (G>C on the coding strand, the complement: POLE is on the minus strand). VCF-style: chr12-132632663-C-G. GRCh37 (hg19) VCF-style: chr12-133209249-C-G.
Identifiers: ClinVar variation 1512641 (VCV001512641.8), dbSNP rs1593708662, ClinGen allele CA387370179.